The following is an entry in ClinVar:

ClinVar aggregate classification (germline): Pathogenic (1 of 4 stars; one submission).

Conditions:
Hereditary spastic paraplegia 73. Also called: Spastic paraplegia 73, autosomal dominant. Identifiers: Orphanet 444099, MedGen C5568981, MONDO:0014568, OMIM 616282.

Allele frequency attached by ClinVar (database versions not stated): gnomAD 0.00001; gnomAD exomes 0.00001; TOPMed 0.00001; ExAC 0.00003.

Submission:

Labcorp Genetics (formerly Invitae), Labcorp
Classification: Pathogenic for Hereditary spastic paraplegia 73. Last evaluated: 2023-07-12. Review status: criteria provided, single submitter. Criteria: Invitae Variant Classification Sherloc (09022015). Collection method: clinical testing. Allele origin: germline.
Comment: For these reasons, this variant has been classified as Pathogenic. Algorithms developed to predict the effect of sequence changes on RNA splicing suggest that this variant may disrupt the consensus splice site. This variant has not been reported in the literature in individuals affected with CPT1C-related conditions. This variant is present in population databases (rs767517922, gnomAD 0.02%). This sequence change creates a premature translational stop signal (p.Arg568Glyfs*8) in the CPT1C gene. It is expected to result in an absent or disrupted protein product. Loss-of-function variants in CPT1C are known to be pathogenic (PMID: 30564185, 30911584).

Literature cited by the submitters: PubMed 30564185; PubMed 30911584.

NM_001199753.2(CPT1C):c.1735_1736del (p.Arg579fs)

Gene: CPT1C (carnitine palmitoyltransferase 1C; plus strand). Cytogenetic location: 19q13.33.
Variant type: Deletion.
Coding change: c.1735_1736del on transcript NM_001199753.2 (MANE Select); coding-DNA positions 1735 to 1736, 2 bases deleted (AG; older notation c.1735_1736delAG).
Protein change: p.Arg579fs; shifts the reading frame from arginine 579.
Molecular consequence: frameshift variant. On other transcripts: non-coding transcript variant (1), intron variant (3).
Genome position (GRCh38, 1-based): chr19:49,710,726-49,710,727, AG deleted. VCF-style (leftmost placement, unchanged base first): chr19-49710725-CAG-C. GRCh37 (hg19) VCF-style: chr19-50213982-CAG-C.
Other names: c.1702_1703del, p.Arg568fs (NM_001136052.3, NM_001378485.1); c.1735_1736del, p.Arg579fs (NM_001199752.3, NM_001378483.1, NM_001378484.1 and 1 more transcripts); c.1801_1802del, p.Arg601fs (NM_001378482.1); c.1731+242_1731+243del (NM_001378486.1, NM_001378488.1); c.1698+242_1698+243del (NM_001378487.1); short protein forms R579fs, R601fs, R568fs.
Identifiers: ClinVar variation 2733165 (VCV002733165.3), dbSNP rs767517922, ClinGen allele CA9582309.